The following is an entry in ClinVar:

NM_004525.3(LRP2):c.4689G>A (p.Met1563Ile)

Gene: LRP2 (LDL receptor related protein 2; minus strand). Cytogenetic location: 2q31.1.
Variant type: single nucleotide variant.
Coding change: c.4689G>A on transcript NM_004525.3 (MANE Select); coding-DNA position 4689, G replaced by A.
Protein change: p.Met1563Ile; replaces methionine 1563 with isoleucine.
Molecular consequence: missense variant.
Genome position (GRCh38, 1-based): chr2:169,237,105, C>T on the plus strand (G>A on the coding strand, the complement: LRP2 is on the minus strand). VCF-style: chr2-169237105-C-T. GRCh37 (hg19) VCF-style: chr2-170093615-C-T.
Other names: short protein forms M1563I.
Identifiers: ClinVar variation 975591 (VCV000975591.4), dbSNP rs548232056, ClinGen allele CA1954752.

ClinVar aggregate classification (germline): Conflicting classifications of pathogenicity. Review status: criteria provided, conflicting classifications (1 of 4 stars). 3 submissions from 3 submitters: Uncertain significance (1); Likely benign (1). 1 of the submissions does not count toward it. Last evaluated 2025-12-09.

Conditions:
Inborn genetic diseases. Identifiers: MedGen C0950123, MeSH D030342.
Intellectual disability. Also called: intellectual disabilities; Intellectual developmental disorder; Intellectual functioning disability. Identifiers: MedGen C3714756, MeSH D008607, MONDO:0001071, HP:0001249.

Allele frequency attached by ClinVar (database versions not stated): TOPMed 0.00002; gnomAD exomes 0.00002 and 0.00003; ExAC 0.00002; gnomAD 0.00003.

Submissions (3):

Ambry Genetics
Classification: Likely benign for Inborn genetic diseases. Last evaluated: 2025-12-09. Review status: criteria provided, single submitter. Criteria: Ambry Variant Classification Scheme 2023. Collection method: clinical testing. Allele origin: germline.

Labcorp Genetics (formerly Invitae), Labcorp
Classification: Uncertain significance. Last evaluated: 2022-06-19. Review status: criteria provided, single submitter. Criteria: Invitae Variant Classification Sherloc (09022015). Collection method: clinical testing. Allele origin: germline.
Comment: This sequence change replaces methionine, which is neutral and non-polar, with isoleucine, which is neutral and non-polar, at codon 1563 of the LRP2 protein (p.Met1563Ile). This variant is present in population databases (rs548232056, gnomAD 0.005%). This variant has not been reported in the literature in individuals affected with LRP2-related conditions. ClinVar contains an entry for this variant (Variation ID: 975591). Algorithms developed to predict the effect of missense changes on protein structure and function output the following: SIFT: "Tolerated"; PolyPhen-2: "Benign"; Align-GVGD: "Class C0". The isoleucine amino acid residue is found in multiple mammalian species, which suggests that this missense change does not adversely affect protein function. In summary, the available evidence is currently insufficient to determine the role of this variant in disease. Therefore, it has been classified as a Variant of Uncertain Significance.

Centre de Biologie Pathologie Génétique, Centre Hospitalier Universitaire de Lille
Classification: Likely benign for Intellectual disability. Last evaluated: 2019-01-01. Review status: no assertion criteria provided. Collection method: clinical testing. Allele origin: inherited. Affected: yes. Not counted in ClinVar's aggregate classification.